The following is an entry in ClinVar:

NM_007294.4(BRCA1):c.3008_3009del (p.Asn1002_Phe1003insTer)

Gene: BRCA1 (BRCA1 DNA repair associated; minus strand). Cytogenetic location: 17q21.31.
Variant type: Deletion.
Coding change: c.3008_3009del on transcript NM_007294.4 (MANE Select); coding-DNA positions 3008 to 3009, 2 bases deleted (TT; older notation c.3008_3009delTT).
Protein change: p.Asn1002_Phe1003insTer.
Molecular consequence: nonsense. On other transcripts: frameshift variant (1), intron variant (137).
Genome position (GRCh38, 1-based): chr17:43,092,522-43,092,523, AA deleted on the plus strand (TT on the coding strand, the reverse complement: BRCA1 is on the minus strand); deleting any 2 consecutive bases within chr17:43,092,522-43,092,524 gives the same sequence; the c. name uses the placement nearest the transcript's 3' end. VCF-style (leftmost placement, unchanged base first): chr17-43092521-CAA-C. GRCh37 (hg19) VCF-style: chr17-41244538-CAA-C.
Other names: 3127delTT; c.3008_3009delTT (NM_007294.3); c.3005_3006del, p.Asn1001_Phe1002insTer (NM_001407633.1, NM_001407634.1, NM_001407635.1 and 22 more transcripts); c.3008_3009del, p.Asn1002_Phe1003insTer (NM_001407639.1, NM_001407640.1, NM_001407641.1 and 30 more transcripts); c.2999_3000del, p.Asn999_Phe1000insTer (NM_001407646.1, NM_001407647.1); c.2885_2886del, p.Asn961_Phe962insTer (NM_001407648.1, NM_001407664.1, NM_001407665.1 and 19 more transcripts); c.2882_2883del, p.Asn960_Phe961insTer (NM_001407649.1, NM_001407670.1, NM_001407671.1 and 11 more transcripts); c.2930_2931del, p.Asn976_Phe977insTer (NM_001407653.1, NM_001407654.1, NM_001407655.1 and 4 more transcripts); and 43 more.
Identifiers: ClinVar variation 54747 (VCV000054747.50), dbSNP rs80357617, ClinGen allele CA001959.

ClinVar aggregate classification (germline): Pathogenic. Review status: reviewed by expert panel (3 of 4 stars). 16 submissions from 16 submitters: Pathogenic (1). 15 of the submissions do not count toward it. Last evaluated 2016-09-08.

Conditions:
Hereditary cancer-predisposing syndrome. Also called: Tumor predisposition; Neoplastic Syndromes, Hereditary; Hereditary Cancer Syndrome; Hereditary neoplastic syndrome. Identifiers: Orphanet 140162, MedGen C0027672, MeSH D009386, MONDO:0015356.
Hereditary breast ovarian cancer syndrome. Also called: Hereditary breast and ovarian cancer syndrome (HBOC); Hereditary breast and ovarian cancer syndrome; Hereditary breast and ovarian cancer; Hereditary breast and/or ovarian cancer syndrome; Breast and ovarian cancer; BRCA1- and BRCA2-Associated Hereditary Breast and Ovarian Cancer. Identifiers: Orphanet 145, MedGen C0677776, MeSH D061325, MONDO:0003582. Disease mechanism: loss of function.
Breast-ovarian cancer, familial, susceptibility to, 1 (BROVCA1). Also called: OVARIAN CANCER, SUSCEPTIBILITY TO; BRCA1 Hereditary Breast and Ovarian Cancer. Identifiers: Orphanet 145, MedGen C2676676, MONDO:0011450, OMIM 604370. Disease mechanism: loss of function.

Submissions (16):

Evidence-based Network for the Interpretation of Germline Mutant Alleles (ENIGMA)
Classification: Pathogenic for Breast-ovarian cancer, familial, susceptibility to, 1. Last evaluated: 2016-09-08. Review status: reviewed by expert panel. Criteria: ENIGMA BRCA1/2 Classification Criteria (2015). Collection method: curation. Allele origin: germline.
Comment: Variant allele predicted to encode a truncated non-functional protein.

Labcorp Genetics (formerly Invitae), Labcorp
Classification: Pathogenic for Hereditary breast ovarian cancer syndrome. Last evaluated: 2026-01-18. Review status: criteria provided, single submitter. Criteria: Invitae Variant Classification Sherloc (09022015). Collection method: clinical testing. Allele origin: germline. Not counted in ClinVar's aggregate classification.
Comment: This sequence change creates a premature translational stop signal (p.Phe1003*) in the BRCA1 gene. It is expected to result in an absent or disrupted protein product. Loss-of-function variants in BRCA1 are known to be pathogenic (PMID: 20104584). This variant is not present in population databases (gnomAD no frequency). This premature translational stop signal has been observed in individual(s) with breast cancer (PMID: 10644434). This variant is also known as 3127del2. ClinVar contains an entry for this variant (Variation ID: 54747). For these reasons, this variant has been classified as Pathogenic.

Ambry Genetics
Classification: Pathogenic for Hereditary cancer-predisposing syndrome. Last evaluated: 2025-07-18. Review status: criteria provided, single submitter. Criteria: Ambry Variant Classification Scheme 2023. Collection method: clinical testing. Allele origin: germline. Not counted in ClinVar's aggregate classification.
Comment: The c.3008_3009delTT pathogenic mutation, located in coding exon 9 of the BRCA1 gene, results from a deletion of two nucleotides at nucleotide positions 3008 to 3009, predicted to lead to an alternate stop codon (p.F1003*). This variant was reported in individual(s) with features consistent with BRCA1-related cancer predisposition (Wagner T et al. Genomics 1999 Dec; 62(3):369-76;Tutt A et al. Lancet 2010 Jul; 376(9737):235-44; Wen WX et al. J. Med. Genet. 2018 Feb;55(2):97-103; Singh J et al. Breast Cancer Res. Treat. 2018 Jul;170(1):189-196). This variant is considered to be rare based on population cohorts in the Genome Aggregation Database (gnomAD). Of note, this mutation is also designated as 3127delTT in published literature. In addition to the clinical data presented in the literature, this alteration is expected to result in loss of function by premature protein truncation or nonsense-mediated mRNA decay. As such, this alteration is interpreted as a disease-causing mutation.

Quest Diagnostics Nichols Institute San Juan Capistrano
Classification: Pathogenic. Last evaluated: 2024-08-15. Review status: criteria provided, single submitter. Criteria: Quest Diagnostics criteria. Collection method: clinical testing. Allele origin: unknown. Not counted in ClinVar's aggregate classification.
Comment: The BRCA1 c.3008_3009del (p.Phe1003*) variant (also known as 3127delTT, 3127del2) alters the translational reading frame of the BRCA1 mRNA and causes the premature termination of BRCA1 protein synthesis. In the published literature, this variant has been reported in multiple individuals with personal or family history of breast/ovarian cancer (PMIDs: 35858847 (2022), 29470806 (2018), 28993434 (2018), 24249303 (2015), 10644434 (1999)). This variant has not been reported in large, multi-ethnic general populations (Genome Aggregation Database). Based on the available information, this variant is classified as pathogenic.

Baylor Genetics
Classification: Pathogenic for Breast-ovarian cancer, familial, susceptibility to, 1. Last evaluated: 2023-05-30. Review status: criteria provided, single submitter. Criteria: ACMG Guidelines, 2015. Collection method: clinical testing. Allele origin: unknown. Not counted in ClinVar's aggregate classification.

Clinical Genetics Laboratory, Skane University Hospital Lund
Classification: Pathogenic. Last evaluated: 2023-03-15. Review status: criteria provided, single submitter. Criteria: ACMG Guidelines, 2015. Collection method: clinical testing. Allele origin: germline. Affected: yes. Not counted in ClinVar's aggregate classification.

GeneDx
Classification: Pathogenic. Last evaluated: 2022-10-03. Review status: criteria provided, single submitter. Criteria: GeneDx Variant Classification Process June 2021. Collection method: clinical testing. Allele origin: germline. Affected: yes. Not counted in ClinVar's aggregate classification.
Comment: Nonsense variant predicted to result in protein truncation or nonsense mediated decay in a gene for which loss-of-function is a known mechanism of disease; Not observed at significant frequency in large population cohorts (gnomAD); Truncating variants in this gene are considered pathogenic by a well-established clinical consortium and/or database; Observed in individuals with a personal history of BRCA1-related cancers (Wagner et al., 1999; Singh et al., 2018; Wen et al., 2018); This variant is associated with the following publications: (PMID: 26733283, 28993434, 20609467, 10644434, 29470806)

Color Diagnostics, LLC DBA Color Health
Classification: Pathogenic for Hereditary cancer-predisposing syndrome. Last evaluated: 2022-04-11. Review status: criteria provided, single submitter. Criteria: ACMG Guidelines, 2015. Collection method: clinical testing. Allele origin: germline. Not counted in ClinVar's aggregate classification.
Comment: This variant deletes 2 nucleotides in exon 10 of the BRCA1 gene, creating a frameshift and premature translation stop signal. This variant is expected to result in an absent or non-functional protein product. To our knowledge, functional studies have not been reported for this variant. This variant has been reported in at least five unrelated individuals affected with breast or ovarian cancer (PMID: 20104584, 28993434, 29470806; BIC database; Color internal data) and in suspected hereditary breast and ovarian cancer families (PMID: 10644434, 24249303). This variant has not been identified in the general population by the Genome Aggregation Database (gnomAD). Loss of BRCA1 function is a known mechanism of disease. Based on the available evidence, this variant is classified as Pathogenic.

Women's Health and Genetics/Laboratory Corporation of America, LabCorp
Classification: Pathogenic for Hereditary breast and ovarian cancer syndrome. Last evaluated: 2019-10-04. Review status: criteria provided, single submitter. Criteria: LabCorp Variant Classification Summary - May 2015. Collection method: clinical testing. Allele origin: germline. Not counted in ClinVar's aggregate classification.
Comment: Variant summary: BRCA1 c.3008_3009delTT (p.Phe1003X) results in a premature termination codon, predicted to cause a truncation of the encoded protein or absence of the protein due to nonsense mediated decay, which are commonly known mechanisms for disease. Truncations downstream of this position have been classified as pathogenic by our laboratory. The variant was absent in 250840 control chromosomes (gnomAD). c.3008_3009delTT has been reported in the literature in individuals affected with Hereditary Breast and Ovarian Cancer (Crawford_2017, Nakamura_2013, Singh_2018, Wen_2017). These data indicate that the variant is likely to be associated with disease. To our knowledge, no experimental evidence demonstrating an impact on protein function has been reported. Seven submitters, including one expert panel (ENIGMA) have provided clinical-significance assessments for this variant in ClinVar after 2014, and all of them classified the variant as pathogenic. Based on the evidence outlined above, the variant was classified as pathogenic.

GeneKor MSA
Classification: Pathogenic. Last evaluated: 2016-07-01. Review status: criteria provided, single submitter. Criteria: ACMG Guidelines, 2015. Collection method: clinical testing. Allele origin: germline. Not counted in ClinVar's aggregate classification.

Clinical Genetics and Genomics, Karolinska University Hospital
Classification: Pathogenic. Last evaluated: 2016-03-23. Review status: criteria provided, single submitter. Criteria: ACMG Guidelines, 2015. Collection method: clinical testing. Allele origin: germline. Affected: yes. Observed: 3 variant alleles. Not counted in ClinVar's aggregate classification.

Consortium of Investigators of Modifiers of BRCA1/2 (CIMBA), c/o University of Cambridge
Classification: Pathogenic for Breast-ovarian cancer, familial, susceptibility to, 1. Last evaluated: 2015-10-02. Review status: criteria provided, single submitter. Criteria: CIMBA Mutation Classification guidelines May 2016. Collection method: clinical testing. Allele origin: germline. Not counted in ClinVar's aggregate classification.

BRCAlab, Lund University
Classification: Pathogenic for Breast-ovarian cancer, familial, susceptibility to, 1. Last evaluated: 2022-08-26. Review status: no assertion criteria provided. Collection method: clinical testing. Allele origin: germline. Affected: yes. Not counted in ClinVar's aggregate classification.

Research Molecular Genetics Laboratory, Women's College Hospital, University of Toronto
Classification: Pathogenic for Hereditary breast ovarian cancer syndrome. Last evaluated: 2014-01-31. Review status: no assertion criteria provided. Collection method: research. Allele origin: germline. Affected: yes. Study: The Canadian Open Genetics Repository (COGR). Not counted in ClinVar's aggregate classification.

Sharing Clinical Reports Project (SCRP)
Classification: Pathogenic for Breast-ovarian cancer, familial 1. Last evaluated: 2012-06-06. Review status: no assertion criteria provided. Collection method: clinical testing. Allele origin: germline. Not counted in ClinVar's aggregate classification.

Breast Cancer Information Core (BIC) (BRCA1)
Classification: Pathogenic for Breast-ovarian cancer, familial 1. Last evaluated: 2004-02-20. Review status: no assertion criteria provided. Collection method: clinical testing. Allele origin: germline. Affected: yes. Observed: 5 variant alleles. Not counted in ClinVar's aggregate classification.

Literature cited by the submitters: PubMed 20104584 (cited by Labcorp Genetics (formerly Invitae), Labcorp and Color Diagnostics, LLC DBA Color Health); PubMed 10644434 (cited by 4 submitters); PubMed 20609467 (cited by Ambry Genetics); PubMed 26733283 (cited by Ambry Genetics); PubMed 28993434 (cited by 4 submitters); PubMed 29470806 (cited by 4 submitters); PubMed 35858847 (cited by Quest Diagnostics Nichols Institute San Juan Capistrano); PubMed 24249303 (cited by 3 submitters); PubMed 28281021 (cited by Women's Health and Genetics/Laboratory Corporation of America, LabCorp).